The following is an entry in ClinVar:

ClinVar aggregate classification (germline): Uncertain significance (1 of 4 stars; one submission).

Conditions:
3-methylglutaconic aciduria, type VIIB (MGCA7B). Also called: CLPB Deficiency; 3-methylglutaconic aciduria with cataracts, neurologic involvement and neutropenia; 3-methylglutaconic aciduria, type VII, with cataracts, neurologic involvement and neutropenia. Identifiers: Orphanet 445038, MedGen C5676893, MONDO:0014561, OMIM 616271.

Submission:

Labcorp Genetics (formerly Invitae), Labcorp
Classification: Uncertain significance for 3-methylglutaconic aciduria, type VIIB. Last evaluated: 2022-06-05. Review status: criteria provided, single submitter. Criteria: Invitae Variant Classification Sherloc (09022015). Collection method: clinical testing. Allele origin: germline.
Comment: This sequence change replaces lysine, which is basic and polar, with asparagine, which is neutral and polar, at codon 589 of the CLPB protein (p.Lys589Asn). In summary, the available evidence is currently insufficient to determine the role of this variant in disease. Therefore, it has been classified as a Variant of Uncertain Significance. Algorithms developed to predict the effect of missense changes on protein structure and function are either unavailable or do not agree on the potential impact of this missense change (SIFT: "Deleterious"; PolyPhen-2: "Possibly Damaging"; Align-GVGD: "Class C0"). ClinVar contains an entry for this variant (Variation ID: 1359649). This variant has not been reported in the literature in individuals affected with CLPB-related conditions. This variant is not present in population databases (gnomAD no frequency).

NM_001258392.3(CLPB):c.1677G>T (p.Lys559Asn)

Gene: CLPB (ClpB family mitochondrial disaggregase; minus strand). Cytogenetic location: 11q13.4.
Variant type: single nucleotide variant.
Coding change: c.1677G>T on transcript NM_001258392.3 (MANE Select); coding-DNA position 1677, G replaced by T.
Protein change: p.Lys559Asn; replaces lysine 559 with asparagine.
Molecular consequence: missense variant.
Genome position (GRCh38, 1-based): chr11:72,294,328, C>A on the plus strand (G>T on the coding strand, the complement: CLPB is on the minus strand). VCF-style: chr11-72294328-C-A. GRCh37 (hg19) VCF-style: chr11-72005372-C-A.
Other names: c.1590G>T, p.Lys530Asn (NM_001258393.3); c.1632G>T, p.Lys544Asn (NM_001258394.3); c.1767G>T, p.Lys589Asn (NM_030813.6); short protein forms K530N, K544N, K559N, K589N.
Identifiers: ClinVar variation 1359649 (VCV001359649.8), dbSNP rs2135485638, ClinGen allele CA381726090.